The following is an entry in ClinVar:

NM_000307.5(POU3F4):c.226dup (p.Leu76fs)

Gene: POU3F4 (POU class 3 homeobox 4; plus strand). Cytogenetic location: Xq21.1.
Variant type: Duplication.
Coding change: c.226dup on transcript NM_000307.5 (MANE Select); coding-DNA position 226, one base duplicated (C; older notation c.226dupC).
Protein change: p.Leu76fs; shifts the reading frame from leucine 76.
Molecular consequence: frameshift variant.
Genome position (GRCh38, 1-based): chrX:83,508,550, C duplicated; the last of 5 consecutive C bases (chrX:83,508,546-83,508,550); duplicating any one gives the same sequence. VCF-style (leftmost placement, unchanged base first): chrX-83508545-G-GC. GRCh37 (hg19) VCF-style: chrX-82763553-G-GC.
Other names: short protein forms L76fs.
Identifiers: ClinVar variation 3601650 (VCV003601650.1).

ClinVar aggregate classification (germline): Pathogenic (1 of 4 stars; one submission).

Conditions:
X-linked mixed hearing loss with perilymphatic gusher. Also called: Deafness, X-linked 2; NANCE DEAFNESS; PERILYMPHATIC GUSHER-DEAFNESS SYNDROME; SENSORINEURAL DEAFNESS, PROFOUND, WITH OR WITHOUT A CONDUCTIVE COMPONENT, ASSOCIATED WITH A UNIQUE DEVELOPMENTAL ABNORMALITY OF THE EAR; Gusher syndrome. Identifiers: Orphanet 383, MedGen C1844678, MONDO:0010576, OMIM 304400.

Submission:

Institute of Rare Diseases, West China Hospital, Sichuan University
Classification: Pathogenic for X-linked mixed hearing loss with perilymphatic gusher. Last evaluated: 2025-01-09. Review status: criteria provided, single submitter. Criteria: ClinGen HL ACMG Specifications v1. Collection method: research. Allele origin: germline. Affected: yes.
Comment: PVS1;PM3_Supporting;PM2_Supporting